The following is an entry in ClinVar:

ClinVar aggregate classification (germline): Benign/Likely benign. Review status: criteria provided, multiple submitters, no conflicts (2 of 4 stars). 11 submissions from 9 submitters: Benign (7); Likely benign (4). Last evaluated 2026-06-04.

Conditions:
Mastocytosis. Also called: Mast Cell Disease. Identifiers: Orphanet 98292, MedGen C0024899, MONDO:0007950, HP:0100495.
Gastrointestinal stromal tumor. Also called: Gastrointestinal stromal tumor, somatic; Gastrointestinal stroma tumor. Identifiers: Orphanet 44890, MedGen C0238198, MeSH D046152, MONDO:0011719, OMIM 606764, HP:0100723.
Piebaldism. Also called: Piebald skin depigmentation. Identifiers: Orphanet 2884, MedGen C0080024, MONDO:0008244, OMIM 172800, HP:0007544.

Allele frequency attached by ClinVar (database versions not stated): gnomAD 0.00952 and 0.00884; 1000 Genomes Project 30x 0.00968; 1000 Genomes Project 0.00978; TOPMed 0.00992; ESP Exome Variant Server 0.01099; ExAC 0.00270.
gnomAD v4.1: 2,526 of 1,612,960 alleles (0.16%); highest among the groups gnomAD compares: African/African-American, 3.1%; 34 homozygotes.

Submissions (12):

Myriad Genetics, Inc.
Classification: Benign for Gastrointestinal stromal tumor. Last evaluated: 2026-06-04. Review status: criteria provided, single submitter. Criteria: Myriad Autosomal Dominant, Autosomal Recessive and X-Linked Classification Criteria (2023). Collection method: clinical testing. Allele origin: unknown.
Comment: This variant is considered benign. This variant is a silent/synonymous amino acid change and it is not expected to impact splicing.

Labcorp Genetics (formerly Invitae), Labcorp
Classification: Benign for Gastrointestinal stromal tumor. Last evaluated: 2026-02-04. Review status: criteria provided, single submitter. Criteria: Invitae Variant Classification Sherloc (09022015). Collection method: clinical testing. Allele origin: germline.

Mayo Clinic Laboratories, Mayo Clinic
Classification: Benign. Last evaluated: 2025-07-23. Review status: criteria provided, single submitter. Criteria: ACMG Guidelines, 2015. Collection method: clinical testing. Allele origin: germline. Observed: 1 variant allele.
Comment: BA1, BP4, BP7

CeGaT Center for Human Genetics Tuebingen
Classification: Benign. Last evaluated: 2025-06-01. Review status: criteria provided, single submitter. Criteria: CeGaT Center For Human Genetics Tuebingen Variant Classification Criteria Version 2. Collection method: clinical testing. Allele origin: germline. Affected: yes. Observed: 1 variant allele.
Comment: KIT: BP4, BP7, BS1, BS2

Blueprint Genetics
Classification: Likely benign. Last evaluated: 2024-10-09. Review status: criteria provided, single submitter. Criteria: ACMG Guidelines, 2015. Collection method: clinical testing. Allele origin: germline.

KCCC/NGS Laboratory, Kuwait Cancer Control Center
Classification: Benign for Gastrointestinal stromal tumor. Last evaluated: 2023-07-07. Review status: criteria provided, single submitter. Criteria: ACMG Guidelines, 2015. Collection method: clinical testing. Allele origin: germline. Affected: yes.

GeneDx
Classification: Likely benign. Last evaluated: 2020-10-19. Review status: criteria provided, single submitter. Criteria: GeneDx Variant Classification Process June 2021. Collection method: clinical testing. Allele origin: germline. Affected: yes.

Illumina Laboratory Services, Illumina
Classification: Likely benign for Piebaldism. Last evaluated: 2018-01-13. Review status: criteria provided, single submitter. Criteria: ICSL Variant Classification Criteria 13 December 2019. Collection method: clinical testing. Allele origin: germline.
Comment: This variant was observed in the ICSL laboratory as part of a predisposition screen in an ostensibly healthy population. It had not been previously curated by ICSL or reported in the Human Gene Mutation Database (HGMD: prior to June 1st, 2018), and was therefore a candidate for classification through an automated scoring system. Utilizing variant allele frequency, disease prevalence and penetrance estimates, and inheritance mode, an automated score was calculated to assess if this variant is too frequent to cause the disease. Based on the score and internal cut-off values, a variant classified as likely benign is not then subjected to further curation. The score for this variant resulted in a classification of likely benign for this disease.

Illumina Laboratory Services, Illumina
Classification: Benign for Cutaneous mastocytosis. Last evaluated: 2018-01-13. Review status: criteria provided, single submitter. Criteria: ICSL Variant Classification Criteria 13 December 2019. Collection method: clinical testing. Allele origin: germline.
Comment: This variant was observed in the ICSL laboratory as part of a predisposition screen in an ostensibly healthy population. It had not been previously curated by ICSL or reported in the Human Gene Mutation Database (HGMD: prior to June 1st, 2018), and was therefore a candidate for classification through an automated scoring system. Utilizing variant allele frequency, disease prevalence and penetrance estimates, and inheritance mode, an automated score was calculated to assess if this variant is too frequent to cause the disease. Based on the score and internal cut-off values, a variant classified as benign is not then subjected to further curation. The score for this variant resulted in a classification of benign for this disease.

Illumina Laboratory Services, Illumina
Classification: Benign for Gastrointestinal stromal tumor. Last evaluated: 2018-01-13. Review status: criteria provided, single submitter. Criteria: ICSL Variant Classification Criteria 13 December 2019. Collection method: clinical testing. Allele origin: germline.
Comment: the same text as in the submission from Illumina Laboratory Services, Illumina above.

Breakthrough Genomics
Classification: Likely benign. Review status: criteria provided, single submitter. Criteria: ACMG Guidelines, 2015. Collection method: not provided. Allele origin: germline. Inheritance: Autosomal dominant inheritance. Affected: yes.

Dr. Peter K. Rogan Lab, Western University
No classification provided (evidence only). Condition: Lung cancer. Review status: no classification provided. Collection method: in vitro. Allele origin: not applicable. Functional consequence: skipped exon, retained intron. Not counted in ClinVar's aggregate classification.

NM_000222.3(KIT):c.1794A>T (p.Gly598=)

Gene: KIT (KIT proto-oncogene, receptor tyrosine kinase; plus strand). Cytogenetic location: 4q12.
Variant type: single nucleotide variant.
Coding change: c.1794A>T on transcript NM_000222.3 (MANE Select); coding-DNA position 1794, A replaced by T.
Protein change: p.Gly598=; no amino-acid change (glycine 598 retained).
Molecular consequence: synonymous variant.
Genome position (GRCh38, 1-based): chr4:54,727,842, A>T. VCF-style: chr4-54727842-A-T. GRCh37 (hg19) VCF-style: chr4-55594008-A-T.
Other names: p.Gly598=; c.1782A>T, p.Gly594= (NM_001093772.2, NM_001385286.1); c.1797A>T, p.Gly599= (NM_001385284.1, NM_001385290.1); c.1794A>T, p.Gly598= (NM_001385285.1); c.1785A>T, p.Gly595= (NM_001385288.1, NM_001385292.1).
Identifiers: ClinVar variation 220914 (VCV000220914.32), dbSNP rs72549292, ClinGen allele CA348252.